The following is an entry in ClinVar:

ClinVar aggregate classification (germline): Likely pathogenic (1 of 4 stars; one submission).

Conditions:
Neonatal encephalomyopathy-cardiomyopathy-respiratory distress syndrome. Also called: Coenzyme Q10 deficiency, primary, 7. Identifiers: Orphanet 457185, MedGen C5568562, MONDO:0014562, OMIM 616276.

Allele frequency attached by ClinVar (database versions not stated): gnomAD 0.00001; TOPMed 0.00004; ExAC 0.00008.
gnomAD v4.1: 22 of 1,601,364 alleles (0.0014%); highest among the groups gnomAD compares: Admixed American, 0.012%; no homozygotes.

Submission:

Labcorp Genetics (formerly Invitae), Labcorp
Classification: Likely pathogenic for Neonatal encephalomyopathy-cardiomyopathy-respiratory distress syndrome. Last evaluated: 2025-02-06. Review status: criteria provided, single submitter. Criteria: Invitae Variant Classification Sherloc (09022015). Collection method: clinical testing. Allele origin: germline.
Comment: This sequence change affects a donor splice site in intron 1 of the COQ4 gene. It is expected to disrupt RNA splicing. Variants that disrupt the donor or acceptor splice site typically lead to a loss of protein function (PMID: 16199547), and loss-of-function variants in COQ4 are known to be pathogenic (PMID: 25658047). This variant is present in population databases (rs767839639, gnomAD 0.02%). Disruption of this splice site has been observed in individual(s) with epilepsy (PMID: 31440721). ClinVar contains an entry for this variant (Variation ID: 476189). Algorithms developed to predict the effect of sequence changes on RNA splicing suggest that this variant may disrupt the consensus splice site. In summary, the currently available evidence indicates that the variant is pathogenic, but additional data are needed to prove that conclusively. Therefore, this variant has been classified as Likely Pathogenic.

Literature cited by the submitters: PubMed 16199547; PubMed 25658047; PubMed 31440721.

NM_016035.5(COQ4):c.70+2C>G

Gene: COQ4 (coenzyme Q4; plus strand). Cytogenetic location: 9q34.11.
Variant type: single nucleotide variant.
Coding change: c.70+2C>G on transcript NM_016035.5 (MANE Select); the canonical splice donor site of the intron after coding-DNA position 70, C replaced by G.
Molecular consequence: splice donor variant.
Genome position (GRCh38, 1-based): chr9:128,322,930, C>G. VCF-style: chr9-128322930-C-G. GRCh37 (hg19) VCF-style: chr9-131085209-C-G.
Other names: c.70+2C>G (NM_001305942.2).
Identifiers: ClinVar variation 476189 (VCV000476189.7), dbSNP rs767839639, ClinGen allele CA5260377.